The following is an entry in ClinVar:

NM_001267550.2(TTN):c.29420+3G>A

Gene: TTN (titin; minus strand). Cytogenetic location: 2q31.2.
Variant type: single nucleotide variant.
Coding change: c.29420+3G>A on transcript NM_001267550.2 (MANE Select); 3 bases into the intron after coding-DNA position 29420, G replaced by A.
Molecular consequence: intron variant.
Genome position (GRCh38, 1-based): chr2:178,706,451, C>T on the plus strand (G>A on the coding strand, the complement: TTN is on the minus strand). VCF-style: chr2-178706451-C-T. GRCh37 (hg19) VCF-style: chr2-179571178-C-T.
Other names: c.13282+31631G>A (NM_003319.4); c.13858+31631G>A (NM_133437.4); c.13657+31631G>A (NM_133432.3); c.25688+3G>A (NM_133378.4); c.28469+3G>A (NM_001256850.1).
Identifiers: ClinVar variation 4787145 (VCV004787145.1).

ClinVar aggregate classification (germline): Uncertain significance (1 of 4 stars; one submission).

Conditions:
Autosomal recessive limb-girdle muscular dystrophy type 2J (LGMDR10). Also called: Limb-girdle muscular dystrophy, type 2J; MUSCULAR DYSTROPHY, LIMB-GIRDLE, AUTOSOMAL RECESSIVE 10. Identifiers: Orphanet 140922, MedGen C1837342, MONDO:0012127, OMIM 608807.
Dilated cardiomyopathy 1G (CMD1G). Identifiers: Orphanet 154, MedGen C1858763, MONDO:0011400, OMIM 604145.

Submission:

Labcorp Genetics (formerly Invitae), Labcorp
Classification: Uncertain significance for Dilated cardiomyopathy 1G; Autosomal recessive limb-girdle muscular dystrophy type 2J. Last evaluated: 2025-12-28. Review status: criteria provided, single submitter. Criteria: Invitae Variant Classification Sherloc (09022015). Collection method: clinical testing. Allele origin: germline.
Comment: This sequence change falls in intron 102 of the TTN gene. It does not directly change the encoded amino acid sequence of the TTN protein. It affects a nucleotide within the consensus splice site. This variant is not present in population databases (gnomAD no frequency). This variant has not been reported in the literature in individuals affected with TTN-related conditions. Variants that disrupt the consensus splice site are a relatively common cause of aberrant splicing (PMID: 17576681, 9536098). Algorithms developed to predict the effect of sequence changes on RNA splicing suggest that this variant is not likely to affect RNA splicing. This variant is located in the I band of TTN (PMID: 25589632). Non-truncating variants in this region may be clinically relevant, but have not been definitively shown to cause cardiomyopathy or neuromuscular disease (PMID: 27493940, 32778822). In summary, the available evidence is currently insufficient to determine the role of this variant in disease. Therefore, it has been classified as a Variant of Uncertain Significance.

Literature cited by the submitters: PubMed 17576681; PubMed 9536098; PubMed 25589632; PubMed 27493940; PubMed 32778822.